The following is an entry in ClinVar:

NM_032043.3(BRIP1):c.1967A>G (p.Lys656Arg)

Gene: BRIP1 (BRCA1 interacting DNA helicase 1; minus strand). Cytogenetic location: 17q23.2.
Variant type: single nucleotide variant.
Coding change: c.1967A>G on transcript NM_032043.3 (MANE Select); coding-DNA position 1967, A replaced by G.
Protein change: p.Lys656Arg; replaces lysine 656 with arginine.
Molecular consequence: missense variant.
Genome position (GRCh38, 1-based): chr17:61,776,531, T>C on the plus strand (A>G on the coding strand, the complement: BRIP1 is on the minus strand). VCF-style: chr17-61776531-T-C. GRCh37 (hg19) VCF-style: chr17-59853892-T-C.
Other names: short protein forms K656R.
Identifiers: ClinVar variation 573578 (VCV000573578.12), dbSNP rs1322017079, ClinGen allele CA400478536.

ClinVar aggregate classification (germline): Uncertain significance. Review status: criteria provided, multiple submitters, no conflicts (2 of 4 stars). 2 submissions from 2 submitters: Uncertain significance (2). Last evaluated 2025-12-02.

Conditions:
Fanconi anemia complementation group J. Also called: BRIP1-Related Fanconi Anemia. Identifiers: Orphanet 84, MedGen C1836860, MONDO:0012187, OMIM 609054.
Familial cancer of breast. Also called: BREAST CANCER, FAMILIAL; hereditary breast carcinoma; Hereditary breast cancer. Identifiers: Orphanet 227535, MedGen C0346153, MONDO:0016419, OMIM 114480. Disease mechanism: loss of function.
Hereditary cancer-predisposing syndrome. Also called: Hereditary neoplastic syndrome; Neoplastic Syndromes, Hereditary; Hereditary Cancer Syndrome; Tumor predisposition. Identifiers: Orphanet 140162, MedGen C0027672, MeSH D009386, MONDO:0015356.

Submissions (2):

Labcorp Genetics (formerly Invitae), Labcorp
Classification: Uncertain significance for Familial cancer of breast; Fanconi anemia complementation group J. Last evaluated: 2025-12-02. Review status: criteria provided, single submitter. Criteria: Invitae Variant Classification Sherloc (09022015). Collection method: clinical testing. Allele origin: germline.
Comment: This sequence change replaces lysine, which is basic and polar, with arginine, which is basic and polar, at codon 656 of the BRIP1 protein (p.Lys656Arg). This variant is not present in population databases (gnomAD no frequency). This variant has not been reported in the literature in individuals affected with BRIP1-related conditions. ClinVar contains an entry for this variant (Variation ID: 573578). Invitae Evidence Modeling of protein sequence and biophysical properties (such as structural, functional, and spatial information, amino acid conservation, physicochemical variation, residue mobility, and thermodynamic stability) indicates that this missense variant is not expected to disrupt BRIP1 protein function with a negative predictive value of 95%. In summary, the available evidence is currently insufficient to determine the role of this variant in disease. Therefore, it has been classified as a Variant of Uncertain Significance.

Ambry Genetics
Classification: Uncertain significance for Hereditary cancer-predisposing syndrome. Last evaluated: 2024-05-20. Review status: criteria provided, single submitter. Criteria: Ambry Variant Classification Scheme 2023. Collection method: clinical testing. Allele origin: germline.
Comment: The p.K656R variant (also known as c.1967A>G), located in coding exon 13 of the BRIP1 gene, results from an A to G substitution at nucleotide position 1967. The lysine at codon 656 is replaced by arginine, an amino acid with highly similar properties. This amino acid position is conserved. In addition, this alteration is predicted to be tolerated by in silico analysis. Based on the available evidence, the clinical significance of this variant remains unclear.